The following is an entry in ClinVar:

ClinVar aggregate classification (germline): Uncertain significance (1 of 4 stars; one submission).

Conditions:
Hypomyelination and Congenital Cataract (HLD5). Also called: hypomyelinating leukodystrophy 5. Identifiers: Orphanet 85163, MedGen C1864663, MONDO:0012514, OMIM 610532.

Submission:

Labcorp Genetics (formerly Invitae), Labcorp
Classification: Uncertain significance for Hypomyelination and Congenital Cataract. Last evaluated: 2021-09-29. Review status: criteria provided, single submitter. Criteria: Invitae Variant Classification Sherloc (09022015). Collection method: clinical testing. Allele origin: germline.
Comment: In summary, the available evidence is currently insufficient to determine the role of this variant in disease. Therefore, it has been classified as a Variant of Uncertain Significance. Algorithms developed to predict the effect of sequence changes on RNA splicing suggest that this variant may create or strengthen a splice site. This variant has not been reported in the literature in individuals affected with FAM126A-related conditions. This variant is not present in population databases (ExAC no frequency). This sequence change affects codon 217 of the FAM126A mRNA. It is a 'silent' change, meaning that it does not change the encoded amino acid sequence of the FAM126A protein.

NM_032581.4(HYCC1):c.649C>A (p.Arg217=)

Gene: HYCC1 (hyccin PI4KA lipid kinase complex subunit 1; minus strand). Cytogenetic location: 7p15.3.
Variant type: single nucleotide variant.
Coding change: c.649C>A on transcript NM_032581.4 (MANE Select); coding-DNA position 649, C replaced by A.
Protein change: p.Arg217=; no amino-acid change (arginine 217 retained).
Molecular consequence: synonymous variant.
Genome position (GRCh38, 1-based): chr7:22,964,509, G>T on the plus strand (C>A on the coding strand, the complement: HYCC1 is on the minus strand). VCF-style: chr7-22964509-G-T. GRCh37 (hg19) VCF-style: chr7-23004128-G-T.
Other names: c.649C>A, p.Arg217= (NM_001363466.2, NM_001363467.2).
Identifiers: ClinVar variation 1418368 (VCV001418368.6), dbSNP rs1784456045, ClinGen allele CA453978404.